The following is an entry in ClinVar:

NM_001374828.1(ARID1B):c.2762-1G>C

Gene: ARID1B (AT-rich interaction domain 1B; plus strand). Cytogenetic location: 6q25.3.
Variant type: single nucleotide variant.
Coding change: c.2762-1G>C on transcript NM_001374828.1 (MANE Select); the canonical splice acceptor site of the intron before coding-DNA position 2762, G replaced by C.
Molecular consequence: splice acceptor variant.
Genome position (GRCh38, 1-based): chr6:157,148,623, G>C. VCF-style: chr6-157148623-G-C. GRCh37 (hg19) VCF-style: chr6-157469757-G-C.
Other names: c.2801-1G>C (NM_001371656.1, NM_001374820.1); c.2762-1G>C (NM_017519.3); c.263-1G>C (NM_001363725.2).
Identifiers: ClinVar variation 2850265 (VCV002850265.5), dbSNP rs2537883283, ClinGen allele CA366388598.

ClinVar aggregate classification (germline): Likely pathogenic. Review status: criteria provided, multiple submitters, no conflicts (2 of 4 stars). 2 submissions from 2 submitters: Likely pathogenic (2). Last evaluated 2025-07-01.

Submissions (2):

Dasa
Classification: Likely pathogenic. Last evaluated: 2025-07-01. Review status: criteria provided, single submitter. Criteria: DASA Assertion Criteria. Collection method: clinical testing. Allele origin: germline.
Comment: NM_001374828.1(ARID1B):c.2762-1G>C affects a canonical splice site and is predicted to disrupt normal RNA splicing. Loss of function is an established disease mechanism for ARID1B (PMID: 22426308; PMID: 21801163; PMID: 22405089). Also, this variant is absent from population databases. Based on the currently available evidence, this variant is classified as likely pathogenic.

Labcorp Genetics (formerly Invitae), Labcorp
Classification: Likely pathogenic. Last evaluated: 2023-08-17. Review status: criteria provided, single submitter. Criteria: Invitae Variant Classification Sherloc (09022015). Collection method: clinical testing. Allele origin: germline.
Comment: In summary, the currently available evidence indicates that the variant is pathogenic, but additional data are needed to prove that conclusively. Therefore, this variant has been classified as Likely Pathogenic. Algorithms developed to predict the effect of sequence changes on RNA splicing suggest that this variant may disrupt the consensus splice site. Disruption of this splice site has been observed in individual(s) with clinical features of Coffin-Siris syndrome (PMID: 31530938). This variant is not present in population databases (gnomAD no frequency). This sequence change affects an acceptor splice site in intron 8 of the ARID1B gene. It is expected to disrupt RNA splicing. Variants that disrupt the donor or acceptor splice site typically lead to a loss of protein function (PMID: 16199547), and loss-of-function variants in ARID1B are known to be pathogenic (PMID: 25674384, 30349098).

Literature cited by the submitters: PubMed 22426308 (cited by Dasa); PubMed 21801163 (cited by Dasa); PubMed 22405089 (cited by Dasa); PubMed 31530938 (cited by Labcorp Genetics (formerly Invitae), Labcorp); PubMed 16199547 (cited by Labcorp Genetics (formerly Invitae), Labcorp); PubMed 25674384 (cited by Labcorp Genetics (formerly Invitae), Labcorp); PubMed 30349098 (cited by Labcorp Genetics (formerly Invitae), Labcorp).